The following is an entry in ClinVar:

NM_018990.4(SASH3):c.8G>A (p.Arg3His)

Gene: SASH3 (SAM and SH3 domain containing 3; plus strand). Cytogenetic location: Xq26.1.
Variant type: single nucleotide variant.
Coding change: c.8G>A on transcript NM_018990.4 (MANE Select); coding-DNA position 8, G replaced by A.
Protein change: p.Arg3His; replaces arginine 3 with histidine.
Molecular consequence: missense variant.
Genome position (GRCh38, 1-based): chrX:129,780,105, G>A. VCF-style: chrX-129780105-G-A. GRCh37 (hg19) VCF-style: chrX-128914081-G-A.
Other names: short protein forms R3H.
Identifiers: ClinVar variation 4980109 (VCV004980109.1).

ClinVar aggregate classification (germline): Likely benign (1 of 4 stars; one submission).

Conditions:
SASH3-related condition.

gnomAD v4.1: 12 of 1,209,026 alleles (0.00099%); highest among the groups gnomAD compares: African/African-American, 0.0018%; no homozygotes.

Submission:

PreventionGenetics, part of Exact Sciences
Classification: Likely benign for SASH3-related condition. Last evaluated: 2026-05-20. Review status: criteria provided, single submitter. Criteria: ACMG Guidelines, 2015. Collection method: clinical testing. Allele origin: germline.
Comment: This variant is classified as likely benign based on ACMG/AMP sequence variant interpretation guidelines (Richards et al. 2015 PMID: 25741868, with internal and published modifications).